The following is an entry in ClinVar:

NM_000081.4(LYST):c.10066C>T (p.Gln3356Ter)

Genes: LYST (lysosomal trafficking regulator; minus strand), LOC126806063 (MED14-independent group 3 enhancer GRCh37_chr1:235871544-235872743; plus strand). Cytogenetic location: 1q42.3.
Variant type: single nucleotide variant.
Coding change: c.10066C>T on transcript NM_000081.4 (MANE Select); coding-DNA position 10066, C replaced by T.
Protein change: p.Gln3356Ter; replaces glutamine 3356 with a stop codon.
Molecular consequence: nonsense.
Genome position (GRCh38, 1-based): chr1:235,709,168, G>A on the plus strand (C>T on the coding strand, the complement: LYST is on the minus strand). VCF-style: chr1-235709168-G-A. GRCh37 (hg19) VCF-style: chr1-235872468-G-A.
Other names: c.10066C>T, p.Gln3356Ter (NM_001301365.1); short protein forms Q3356*.
Identifiers: ClinVar variation 4076143 (VCV004076143.2).
Genomic context (GRCh38, chr1:235,709,168, plus strand): 5'-TGATCGCTTGAACAGAAGCCTTCCCCTTTTGCTTATACCCAAACACCAAGTCAATCCACT[G>A]ACAGATGTTCTGCGACACGTAGTCAGACTCTAGAGCCTGCCGATGGATGAGGATAAAAAG-3'

ClinVar aggregate classification (germline): Pathogenic. Review status: criteria provided, single submitter (1 of 4 stars). 2 submissions from 2 submitters: Pathogenic (1). 1 of the submissions does not count toward it. Last evaluated 2025-07-13.

Conditions:
Chédiak-Higashi syndrome (CHS). Also called: Chediak-Higashi Syndrome. Identifiers: Orphanet 167, MedGen C0007965, MONDO:0008963, OMIM 214500.

gnomAD v4.1: 1 of 1,614,124 alleles (0.000062%); highest among the groups gnomAD compares: East Asian, 0.0022%; no homozygotes.

Submissions (2):

Labcorp Genetics (formerly Invitae), Labcorp
Classification: Pathogenic for Chédiak-Higashi syndrome. Last evaluated: 2025-07-13. Review status: criteria provided, single submitter. Criteria: Invitae Variant Classification Sherloc (09022015). Collection method: clinical testing. Allele origin: germline.
Comment: This sequence change creates a premature translational stop signal (p.Gln3356*) in the LYST gene. It is expected to result in an absent or disrupted protein product. Loss-of-function variants in LYST are known to be pathogenic (PMID: 9215679, 11857544). This variant is present in population databases (rs776274754, gnomAD 0.006%). This variant has not been reported in the literature in individuals affected with LYST-related conditions. For these reasons, this variant has been classified as Pathogenic.

Laboratory of Immunopathology and Genetics, Medical Laboratory of Pediatric Oncology and Hematology, Central Clinical Hospital of the Medical University of Lodz
Classification: Likely pathogenic for Chédiak-Higashi syndrome. Last evaluated: 2024-12-01. Review status: no assertion criteria provided. Collection method: clinical testing. Allele origin: germline. Affected: yes. Observed: 1 variant allele. Not counted in ClinVar's aggregate classification.

Literature cited by the submitters: PubMed 9215679 (cited by Labcorp Genetics (formerly Invitae), Labcorp); PubMed 11857544 (cited by Labcorp Genetics (formerly Invitae), Labcorp).